The following is an entry in ClinVar:

ClinVar aggregate classification (germline): Uncertain significance. Review status: criteria provided, multiple submitters, no conflicts (2 of 4 stars). 3 submissions from 3 submitters: Uncertain significance (3). Last evaluated 2026-02-02.

Conditions:
Fanconi anemia (FA). Also called: Fanconi's anemia. Identifiers: Orphanet 84, MedGen C0015625, MeSH D005199, MONDO:0019391.
Inborn genetic diseases. Identifiers: MedGen C0950123, MeSH D030342.
Fanconi anemia complementation group A (FANCA). Also called: Fanconi anemia, group A; FANCA-Related Fanconi Anemia. Identifiers: Orphanet 84, MedGen C3469521, MONDO:0009215, OMIM 227650.

Allele frequency attached by ClinVar (database versions not stated): gnomAD exomes below 0.00001; TOPMed below 0.00001; ExAC 0.00001; gnomAD 0.00001.
gnomAD v4.1: 2 of 1,613,726 alleles (0.00012%); highest among the groups gnomAD compares: African/African-American, 0.0013%; no homozygotes.

Submissions (3):

Labcorp Genetics (formerly Invitae), Labcorp
Classification: Uncertain significance for Fanconi anemia. Last evaluated: 2026-02-02. Review status: criteria provided, single submitter. Criteria: Invitae Variant Classification Sherloc (09022015). Collection method: clinical testing. Allele origin: germline.
Comment: This sequence change replaces isoleucine, which is neutral and non-polar, with methionine, which is neutral and non-polar, at codon 673 of the FANCA protein (p.Ile673Met). This variant is present in population databases (rs753901405, gnomAD 0.003%). This variant has not been reported in the literature in individuals affected with FANCA-related conditions. ClinVar contains an entry for this variant (Variation ID: 2712621). Invitae Evidence Modeling of protein sequence and biophysical properties (such as structural, functional, and spatial information, amino acid conservation, physicochemical variation, residue mobility, and thermodynamic stability) indicates that this missense variant is not expected to disrupt FANCA protein function with a negative predictive value of 95%. In summary, the available evidence is currently insufficient to determine the role of this variant in disease. Therefore, it has been classified as a Variant of Uncertain Significance.

Ambry Genetics
Classification: Uncertain significance for Inborn genetic diseases. Last evaluated: 2025-01-14. Review status: criteria provided, single submitter. Criteria: Ambry Variant Classification Scheme 2023. Collection method: clinical testing. Allele origin: germline.
Comment: The p.I673M variant (also known as c.2019A>G), located in coding exon 23 of the FANCA gene, results from an A to G substitution at nucleotide position 2019. The isoleucine at codon 673 is replaced by methionine, an amino acid with highly similar properties. This amino acid position is conserved. In addition, this alteration is predicted to be tolerated by in silico analysis. Based on the available evidence, the clinical significance of this variant remains unclear.

Fulgent Genetics
Classification: Uncertain significance for Fanconi anemia complementation group A. Last evaluated: 2024-01-09. Review status: criteria provided, single submitter. Criteria: ACMG Guidelines, 2015. Collection method: clinical testing. Allele origin: germline.

NM_000135.4(FANCA):c.2019A>G (p.Ile673Met)

Gene: FANCA (FA complementation group A; minus strand). Cytogenetic location: 16q24.3.
Variant type: single nucleotide variant.
Coding change: c.2019A>G on transcript NM_000135.4 (MANE Select); coding-DNA position 2019, A replaced by G.
Protein change: p.Ile673Met; replaces isoleucine 673 with methionine.
Molecular consequence: missense variant.
Genome position (GRCh38, 1-based): chr16:89,771,810, T>C on the plus strand (A>G on the coding strand, the complement: FANCA is on the minus strand). VCF-style: chr16-89771810-T-C. GRCh37 (hg19) VCF-style: chr16-89838218-T-C.
Other names: c.2019A>G, p.Ile673Met (NM_001286167.3); short protein forms I673M.
Identifiers: ClinVar variation 2712621 (VCV002712621.4), dbSNP rs753901405, ClinGen allele CA8251932.